The following is an entry in ClinVar:

NM_021815.5(SLC5A7):c.1298A>G (p.Tyr433Cys)

Gene: SLC5A7 (solute carrier family 5 member 7; plus strand). Cytogenetic location: 2q12.3.
Variant type: single nucleotide variant.
Coding change: c.1298A>G on transcript NM_021815.5 (MANE Select); coding-DNA position 1298, A replaced by G.
Protein change: p.Tyr433Cys; replaces tyrosine 433 with cysteine.
Molecular consequence: missense variant.
Genome position (GRCh38, 1-based): chr2:108,010,416, A>G. VCF-style: chr2-108010416-A-G. GRCh37 (hg19) VCF-style: chr2-108626872-A-G.
Other names: c.1298A>G, p.Tyr433Cys (NM_001305005.3); c.983A>G, p.Tyr328Cys (NM_001305006.3); c.557A>G, p.Tyr186Cys (NM_001305007.3); short protein forms Y186C, Y328C, Y433C.
Identifiers: ClinVar variation 2690030 (VCV002690030.3), dbSNP rs1328615722, ClinGen allele CA348114272.

ClinVar aggregate classification (germline): Uncertain significance. Review status: criteria provided, multiple submitters, no conflicts (2 of 4 stars). 2 submissions from 2 submitters: Uncertain significance (2). Last evaluated 2025-06-06.

Conditions:
Neuronopathy, distal hereditary motor, type 7A. Also called: Neuronopathy, distal hereditary motor, type viia; HARPER-YOUNG MYOPATHY; HMN VIIA; SPINAL MUSCULAR ATROPHY, DISTAL, WITH VOCAL CORD PARALYSIS; Neuronopathy, distal hereditary motor, autosomal dominant 7; NEURONOPATHY, DISTAL HEREDITARY MOTOR, HARDING TYPE VIIA. Identifiers: Orphanet 139589, MedGen C1834703, MONDO:0008024, OMIM 158580.
Congenital myasthenic syndrome 20. Also called: Myasthenic syndrome, congenital, 20, presynaptic. Identifiers: MedGen C4310694, MONDO:0014939, OMIM 617143.

Allele frequency attached by ClinVar (database versions not stated): gnomAD exomes below 0.00001.
gnomAD v4.1: 6 of 1,613,856 alleles (0.00037%); highest among the groups gnomAD compares: East Asian, 0.0022%; no homozygotes.

Submissions (2):

Labcorp Genetics (formerly Invitae), Labcorp
Classification: Uncertain significance for Neuronopathy, distal hereditary motor, type 7A; Congenital myasthenic syndrome 20. Last evaluated: 2025-06-06. Review status: criteria provided, single submitter. Criteria: Invitae Variant Classification Sherloc (09022015). Collection method: clinical testing. Allele origin: germline.
Comment: This sequence change replaces tyrosine, which is neutral and polar, with cysteine, which is neutral and slightly polar, at codon 433 of the SLC5A7 protein (p.Tyr433Cys). This variant is present in population databases (no rsID available, gnomAD 0.006%). This variant has not been reported in the literature in individuals affected with SLC5A7-related conditions. ClinVar contains an entry for this variant (Variation ID: 2690030). Invitae Evidence Modeling of protein sequence and biophysical properties (such as structural, functional, and spatial information, amino acid conservation, physicochemical variation, residue mobility, and thermodynamic stability) indicates that this missense variant is expected to disrupt SLC5A7 protein function with a positive predictive value of 80%. In summary, the available evidence is currently insufficient to determine the role of this variant in disease. Therefore, it has been classified as a Variant of Uncertain Significance.

Revvity Omics, Revvity
Classification: Uncertain significance. Last evaluated: 2023-11-20. Review status: criteria provided, single submitter. Criteria: ACMG Guidelines, 2015. Collection method: clinical testing. Allele origin: germline.